The following is an entry in ClinVar:

ClinVar aggregate classification (germline): Conflicting classifications of pathogenicity. Review status: criteria provided, conflicting classifications (1 of 4 stars). 3 submissions from 3 submitters: Uncertain significance (1); Likely benign (1). 1 of the submissions does not count toward it. Last evaluated 2024-05-20.

Conditions:
Retinitis pigmentosa 39 (RP39). Identifiers: Orphanet 791, MedGen C3151138, MONDO:0013436, OMIM 613809.
Usher syndrome type 2A. Also called: RETINAL DISEASE IN USHER SYNDROME TYPE IIA, MODIFIER OF; USHER SYNDROME, TYPE IIA. Identifiers: Orphanet 231178, Orphanet 886, MedGen C1848634, MONDO:0010169, OMIM 276901.

Allele frequency attached by ClinVar (database versions not stated): ExAC 0.00001; gnomAD exomes 0.00001.
gnomAD v4.1: 3 of 1,614,122 alleles (0.00019%); highest among the groups gnomAD compares: Middle Eastern, 0.033%; no homozygotes.

Submissions (3):

Labcorp Genetics (formerly Invitae), Labcorp
Classification: Uncertain significance. Last evaluated: 2024-05-20. Review status: criteria provided, single submitter. Criteria: Invitae Variant Classification Sherloc (09022015). Collection method: clinical testing. Allele origin: germline.
Comment: This sequence change replaces glutamine, which is neutral and polar, with arginine, which is basic and polar, at codon 2615 of the USH2A protein (p.Gln2615Arg). This variant is present in population databases (rs397518032, gnomAD 0.002%). This variant has not been reported in the literature in individuals affected with USH2A-related conditions. ClinVar contains an entry for this variant (Variation ID: 48587). Advanced modeling of protein sequence and biophysical properties (such as structural, functional, and spatial information, amino acid conservation, physicochemical variation, residue mobility, and thermodynamic stability) performed at Invitae indicates that this missense variant is not expected to disrupt USH2A protein function with a negative predictive value of 95%. In summary, the available evidence is currently insufficient to determine the role of this variant in disease. Therefore, it has been classified as a Variant of Uncertain Significance.

Laboratory for Molecular Medicine, Mass General Brigham Personalized Medicine
Classification: Likely benign. Last evaluated: 2011-09-25. Review status: criteria provided, single submitter. Criteria: LMM Criteria. Collection method: clinical testing. Allele origin: germline. Observed: 1 variant allele.
Comment: Gln2615Arg in exon 41 of USH2A: This variant is not expected to have clinical si gnificance because computational analyses (PolyPhen2, SIFT, AlignGVGD) do not su ggest a high likelihood of impact to the protein primarily based upon a lack of conservation across species including mammals. Of note, opossum has an arginine at this position despite high nearby amino acid conservation.

Counsyl
Classification: Uncertain significance for Usher syndrome type 2A; Retinitis pigmentosa 39. Last evaluated: 2017-08-24. Review status: no assertion criteria provided. Collection method: clinical testing. Allele origin: unknown. Not counted in ClinVar's aggregate classification.

NM_206933.4(USH2A):c.7844A>G (p.Gln2615Arg)

Gene: USH2A (usherin; minus strand). Cytogenetic location: 1q41.
Variant type: single nucleotide variant.
Coding change: c.7844A>G on transcript NM_206933.4 (MANE Select); coding-DNA position 7844, A replaced by G.
Protein change: p.Gln2615Arg; replaces glutamine 2615 with arginine.
Molecular consequence: missense variant.
Genome position (GRCh38, 1-based): chr1:215,888,805, T>C on the plus strand (A>G on the coding strand, the complement: USH2A is on the minus strand). VCF-style: chr1-215888805-T-C. GRCh37 (hg19) VCF-style: chr1-216062147-T-C.
Other names: short protein forms Q2615R.
Identifiers: ClinVar variation 48587 (VCV000048587.8), dbSNP rs397518032, ClinGen allele CA143603.
Genomic context (GRCh38, chr1:215,888,805, plus strand): 5'-TCAGAGAACAGCTCTGGACTTGGGATCCCTTCCGGTGCCCCTGGGAGTGTCCATACAGTC[T>C]GGGACTCTGGTGAAAGGGAACATCCTTTTGAAGTGCAGGCTTCTACCTGAAACTTATAGG-3'
Protein context (NP_996816.3, residues 2605-2625): SKGCSLSPES[Gln2615Arg]TVWTLPGAPE